The following is an entry in ClinVar:

ClinVar aggregate classification (germline): Uncertain significance (1 of 4 stars; one submission).

Conditions:
Ritscher-Schinzel syndrome. Also called: CRANIOCEREBELLOCARDIAC DYSPLASIA. Identifiers: Orphanet 7, MedGen C0796137, MONDO:0019078.
Hereditary spastic paraplegia 8 (SPG8). Also called: SPASTIC PARAPLEGIA 8, AUTOSOMAL DOMINANT. Identifiers: Orphanet 100989, MedGen C1863704, MONDO:0011339, OMIM 603563.

Submission:

Labcorp Genetics (formerly Invitae), Labcorp
Classification: Uncertain significance for Ritscher-Schinzel syndrome; Hereditary spastic paraplegia 8. Last evaluated: 2025-10-27. Review status: criteria provided, single submitter. Criteria: Invitae Variant Classification Sherloc (09022015). Collection method: clinical testing. Allele origin: germline.
Comment: This sequence change replaces alanine, which is neutral and non-polar, with threonine, which is neutral and polar, at codon 504 of the WASHC5 protein (p.Ala504Thr). This variant is not present in population databases (gnomAD no frequency). This variant has not been reported in the literature in individuals affected with WASHC5-related conditions. ClinVar contains an entry for this variant (Variation ID: 3762408). Invitae Evidence Modeling of protein sequence and biophysical properties (such as structural, functional, and spatial information, amino acid conservation, physicochemical variation, residue mobility, and thermodynamic stability) indicates that this missense variant is expected to disrupt WASHC5 protein function with a positive predictive value of 80%. In summary, the available evidence is currently insufficient to determine the role of this variant in disease. Therefore, it has been classified as a Variant of Uncertain Significance.

NM_014846.4(WASHC5):c.1510G>A (p.Ala504Thr)

Gene: WASHC5 (WASH complex subunit 5; minus strand). Cytogenetic location: 8q24.13.
Variant type: single nucleotide variant.
Coding change: c.1510G>A on transcript NM_014846.4 (MANE Select); coding-DNA position 1510, G replaced by A.
Protein change: p.Ala504Thr; replaces alanine 504 with threonine.
Molecular consequence: missense variant.
Genome position (GRCh38, 1-based): chr8:125,061,093, C>T on the plus strand (G>A on the coding strand, the complement: WASHC5 is on the minus strand). VCF-style: chr8-125061093-C-T. GRCh37 (hg19) VCF-style: chr8-126073335-C-T.
Other names: c.1066G>A, p.Ala356Thr (NM_001330609.2); short protein forms A356T, A504T.
Identifiers: ClinVar variation 3762408 (VCV003762408.2).